The following is an entry in ClinVar:

NM_015910.7(WDPCP):c.1373T>C (p.Ile458Thr)

Gene: WDPCP (WD repeat containing planar cell polarity effector; minus strand). Cytogenetic location: 2p15.
Variant type: single nucleotide variant.
Coding change: c.1373T>C on transcript NM_015910.7 (MANE Select); coding-DNA position 1373, T replaced by C.
Protein change: p.Ile458Thr; replaces isoleucine 458 with threonine.
Molecular consequence: missense variant. On other transcripts: non-coding transcript variant (3).
Genome position (GRCh38, 1-based): chr2:63,404,110, A>G on the plus strand (T>C on the coding strand, the complement: WDPCP is on the minus strand). VCF-style: chr2-63404110-A-G. GRCh37 (hg19) VCF-style: chr2-63631245-A-G.
Other names: c.896T>C, p.Ile299Thr (NM_001042692.3); c.1301T>C, p.Ile434Thr (NM_001354044.2); c.1373T>C, p.Ile458Thr (NM_001354045.2); short protein forms I434T, I299T, I458T.
Identifiers: ClinVar variation 1375080 (VCV001375080.9), dbSNP rs2105184946, ClinGen allele CA347064548.
Genomic context (GRCh38, chr2:63,404,110, plus strand): 5'-AGTTTAAACAACAGCACACCCAAAGGTCCTCTTTCAAACCTGAGGAAGAGGAGATCATAG[A>G]TATCACTACCTTCACCCTTCTGAGAAACAACCTGAGGAGCTATCCATTGCATTTGAACAA-3'
Protein context (NP_056994.3, residues 448-468): VVSQKGEGSD[Ile458Thr]YDLLFLRFER

ClinVar aggregate classification (germline): Uncertain significance. Review status: criteria provided, single submitter (1 of 4 stars). 2 submissions from 2 submitters: Uncertain significance (1). 1 of the submissions does not count toward it. Last evaluated 2022-11-01.

Conditions:
Retinal dystrophy. Also called: Inherited retinal dystrophy. Identifiers: Orphanet 71862, MedGen C0854723, MeSH D058499, MONDO:0019118, HP:0000556.
Bardet-Biedl syndrome (BBS). Identifiers: Orphanet 110, MedGen C0752166, MONDO:0015229.

Submissions (2):

Labcorp Genetics (formerly Invitae), Labcorp
Classification: Uncertain significance for Bardet-Biedl syndrome. Last evaluated: 2022-11-01. Review status: criteria provided, single submitter. Criteria: Invitae Variant Classification Sherloc (09022015). Collection method: clinical testing. Allele origin: germline.
Comment: This sequence change replaces isoleucine, which is neutral and non-polar, with threonine, which is neutral and polar, at codon 458 of the WDPCP protein (p.Ile458Thr). This variant is not present in population databases (gnomAD no frequency). This variant has not been reported in the literature in individuals affected with WDPCP-related conditions. ClinVar contains an entry for this variant (Variation ID: 1375080). Advanced modeling of protein sequence and biophysical properties (such as structural, functional, and spatial information, amino acid conservation, physicochemical variation, residue mobility, and thermodynamic stability) performed at Invitae indicates that this missense variant is not expected to disrupt WDPCP protein function. In summary, the available evidence is currently insufficient to determine the role of this variant in disease. Therefore, it has been classified as a Variant of Uncertain Significance.

Institute of Human Genetics, Univ. Regensburg, Univ. Regensburg
Classification: Uncertain significance for Retinal dystrophy. Last evaluated: 2023-01-01. Review status: no assertion criteria provided. Criteria: ACMG Guidelines, 2015. Collection method: clinical testing. Allele origin: germline. Affected: yes. Not counted in ClinVar's aggregate classification.